The following is an entry in ClinVar:

ClinVar aggregate classification (germline): Uncertain significance (1 of 4 stars; one submission).

Conditions:
Intellectual developmental disorder, X-linked, syndromic 14. Also called: Syndromic X-linked intellectual disability 14. Identifiers: Orphanet 776, MedGen C1970822, MONDO:0010398, OMIM 300676.

gnomAD v4.1: 1 of 1,212,491 alleles (0.000082%); no homozygotes.

Submission:

Labcorp Genetics (formerly Invitae), Labcorp
Classification: Uncertain significance for Intellectual developmental disorder, X-linked, syndromic 14. Last evaluated: 2025-08-07. Review status: criteria provided, single submitter. Criteria: Invitae Variant Classification Sherloc (09022015). Collection method: clinical testing. Allele origin: germline.
Comment: This sequence change replaces arginine, which is basic and polar, with glycine, which is neutral and non-polar, at codon 8 of the UPF3B protein (p.Arg8Gly). This variant is not present in population databases (gnomAD no frequency). This variant has not been reported in the literature in individuals affected with UPF3B-related conditions. ClinVar contains an entry for this variant (Variation ID: 3625762). Experimental studies and prediction algorithms are not available or were not evaluated, and the functional significance of this variant is currently unknown. In summary, the available evidence is currently insufficient to determine the role of this variant in disease. Therefore, it has been classified as a Variant of Uncertain Significance.

NM_080632.3(UPF3B):c.22A>G (p.Arg8Gly)

Gene: UPF3B (UPF3B regulator of nonsense mediated mRNA decay; minus strand). Cytogenetic location: Xq24.
Variant type: single nucleotide variant.
Coding change: c.22A>G on transcript NM_080632.3 (MANE Select); coding-DNA position 22, A replaced by G.
Protein change: p.Arg8Gly; replaces arginine 8 with glycine.
Molecular consequence: missense variant.
Genome position (GRCh38, 1-based): chrX:119,852,907, T>C on the plus strand (A>G on the coding strand, the complement: UPF3B is on the minus strand). VCF-style: chrX-119852907-T-C. GRCh37 (hg19) VCF-style: chrX-118986870-T-C.
Other names: c.22A>G, p.Arg8Gly (NM_023010.4); short protein forms R8G.
Identifiers: ClinVar variation 3625762 (VCV003625762.2).